The following is an entry in ClinVar:

NM_001163435.3(TBCK):c.934A>G (p.Ile312Val)

Gene: TBCK (TBC1 domain containing kinase; minus strand). Cytogenetic location: 4q24.
Variant type: single nucleotide variant.
Coding change: c.934A>G on transcript NM_001163435.3 (MANE Select); coding-DNA position 934, A replaced by G.
Protein change: p.Ile312Val; replaces isoleucine 312 with valine.
Molecular consequence: missense variant.
Genome position (GRCh38, 1-based): chr4:106,244,762, T>C on the plus strand (A>G on the coding strand, the complement: TBCK is on the minus strand). VCF-style: chr4-106244762-T-C. GRCh37 (hg19) VCF-style: chr4-107165919-T-C.
Other names: c.934A>G, p.Ile312Val (NM_001163436.4); c.817A>G, p.Ile273Val (NM_001163437.3); c.418A>G, p.Ile140Val (NM_001290768.2); c.745A>G, p.Ile249Val (NM_033115.5); c.934A>G (NM_001163435.1); short protein forms I273V, I140V, I249V, I312V.
Identifiers: ClinVar variation 2179286 (VCV002179286.3), dbSNP rs145095585, ClinGen allele CA3035232.

ClinVar aggregate classification (germline): Uncertain significance. Review status: criteria provided, multiple submitters, no conflicts (2 of 4 stars). 2 submissions from 2 submitters: Uncertain significance (2). Last evaluated 2025-12-03.

Conditions:
Inborn genetic diseases. Identifiers: MedGen C0950123, MeSH D030342.

Allele frequency attached by ClinVar (database versions not stated): ExAC 0.00003; gnomAD 0.00004; gnomAD exomes 0.00001; TOPMed 0.00003; ESP Exome Variant Server 0.00023.
gnomAD v4.1: 16 of 1,571,034 alleles (0.001%); highest among the groups gnomAD compares: African/African-American, 0.012%; no homozygotes.

Submissions (2):

Ambry Genetics
Classification: Uncertain significance for Inborn genetic diseases. Last evaluated: 2025-12-03. Review status: criteria provided, single submitter. Criteria: Ambry Variant Classification Scheme 2023. Collection method: clinical testing. Allele origin: germline.

Labcorp Genetics (formerly Invitae), Labcorp
Classification: Uncertain significance. Last evaluated: 2021-09-17. Review status: criteria provided, single submitter. Criteria: Invitae Variant Classification Sherloc (09022015). Collection method: clinical testing. Allele origin: germline.
Comment: This sequence change replaces isoleucine with valine at codon 312 of the TBCK protein (p.Ile312Val). The isoleucine residue is weakly conserved and there is a small physicochemical difference between isoleucine and valine. This variant is present in population databases (rs145095585, ExAC 0.02%). This variant has not been reported in the literature in individuals affected with TBCK-related conditions. Algorithms developed to predict the effect of missense changes on protein structure and function output the following: SIFT: "Tolerated"; PolyPhen-2: "Benign"; Align-GVGD: "Class C0". The valine amino acid residue is found in multiple mammalian species, which suggests that this missense change does not adversely affect protein function. Algorithms developed to predict the effect of sequence changes on RNA splicing suggest that this variant may create or strengthen a splice site. In summary, the available evidence is currently insufficient to determine the role of this variant in disease. Therefore, it has been classified as a Variant of Uncertain Significance.